The following is an entry in ClinVar:

ClinVar aggregate classification (germline): Uncertain significance. Review status: criteria provided, multiple submitters, no conflicts (2 of 4 stars). 2 submissions from 2 submitters: Uncertain significance (2). Last evaluated 2025-07-16.

Conditions:
Early Myoclonic Encephalopathy. Identifiers: MedGen C0270855.

Allele frequency attached by ClinVar (database versions not stated): ExAC 0.00002; TOPMed 0.00002; gnomAD 0.00004; gnomAD exomes 0.00004.
gnomAD v4.1: 64 of 1,504,712 alleles (0.0043%); highest among the groups gnomAD compares: African/African-American, 0.0054%; no homozygotes.

Submissions (3):

Ambry Genetics
Classification: Uncertain significance. Last evaluated: 2025-07-16. Review status: criteria provided, single submitter. Criteria: Ambry Variant Classification Scheme 2023. Collection method: clinical testing. Allele origin: germline.

Labcorp Genetics (formerly Invitae), Labcorp
Classification: Uncertain significance for Early Myoclonic Encephalopathy. Last evaluated: 2024-06-15. Review status: criteria provided, single submitter. Criteria: Invitae Variant Classification Sherloc (09022015). Collection method: clinical testing. Allele origin: germline.
Comment: This sequence change replaces leucine, which is neutral and non-polar, with valine, which is neutral and non-polar, at codon 1159 of the JMJD1C protein (p.Leu1159Val). This variant is present in population databases (rs778541156, gnomAD 0.008%). This variant has not been reported in the literature in individuals affected with JMJD1C-related conditions. ClinVar contains an entry for this variant (Variation ID: 2142839). Advanced modeling of protein sequence and biophysical properties (such as structural, functional, and spatial information, amino acid conservation, physicochemical variation, residue mobility, and thermodynamic stability) performed at Invitae indicates that this missense variant is not expected to disrupt JMJD1C protein function with a negative predictive value of 80%. In summary, the available evidence is currently insufficient to determine the role of this variant in disease. Therefore, it has been classified as a Variant of Uncertain Significance.

Dr. Peter K. Rogan Lab, Western University
No classification provided (evidence only). Condition: Gastric cancer. Review status: no classification provided. Collection method: in vitro. Allele origin: not applicable. Functional consequence: retained intron. Not counted in ClinVar's aggregate classification.

NM_032776.3(JMJD1C):c.3475T>G (p.Leu1159Val)

Gene: JMJD1C (jumonji domain containing 1C; minus strand). Cytogenetic location: 10q21.3.
Variant type: single nucleotide variant.
Coding change: c.3475T>G on transcript NM_032776.3 (MANE Select); coding-DNA position 3475, T replaced by G.
Protein change: p.Leu1159Val; replaces leucine 1159 with valine.
Molecular consequence: missense variant. On other transcripts: non-coding transcript variant (1).
Genome position (GRCh38, 1-based): chr10:63,208,194, A>C on the plus strand (T>G on the coding strand, the complement: JMJD1C is on the minus strand). VCF-style: chr10-63208194-A-C. GRCh37 (hg19) VCF-style: chr10-64967954-A-C.
Other names: c.3475T>G (NM_032776.1); c.2929T>G, p.Leu977Val (NM_001282948.2, NM_001318154.2); c.2611T>G, p.Leu871Val (NM_001318153.2); c.3361T>G, p.Leu1121Val (NM_001322252.2); c.2818T>G, p.Leu940Val (NM_001322254.2, NM_001322258.2); short protein forms L871V, L977V, L1121V, L1159V, L940V.
Identifiers: ClinVar variation 2142839 (VCV002142839.8), dbSNP rs778541156, ClinGen allele CA5518428.